The following is an entry in ClinVar:

ClinVar aggregate classification (germline): Uncertain significance (1 of 4 stars; one submission).

Allele frequency attached by ClinVar (database versions not stated): gnomAD exomes 0.00001; ExAC 0.00002.

Submission:

Labcorp Genetics (formerly Invitae), Labcorp
Classification: Uncertain significance. Last evaluated: 2021-10-24. Review status: criteria provided, single submitter. Criteria: Invitae Variant Classification Sherloc (09022015). Collection method: clinical testing. Allele origin: germline.
Comment: Algorithms developed to predict the effect of missense changes on protein structure and function (SIFT, PolyPhen-2, Align-GVGD) all suggest that this variant is likely to be disruptive. In summary, the available evidence is currently insufficient to determine the role of this variant in disease. Therefore, it has been classified as a Variant of Uncertain Significance. This variant has not been reported in the literature in individuals affected with RBP3-related conditions. This variant is present in population databases (rs781842157, gnomAD 0.002%). This sequence change replaces proline, which is neutral and non-polar, with threonine, which is neutral and polar, at codon 203 of the RBP3 protein (p.Pro203Thr).

NM_002900.3(RBP3):c.607C>A (p.Pro203Thr)

Gene: RBP3 (retinol binding protein 3; plus strand). Cytogenetic location: 10q11.22.
Variant type: single nucleotide variant.
Coding change: c.607C>A on transcript NM_002900.3 (MANE Select); coding-DNA position 607, C replaced by A.
Protein change: p.Pro203Thr; replaces proline 203 with threonine.
Molecular consequence: missense variant.
Genome position (GRCh38, 1-based): chr10:47,349,091, C>A. VCF-style: chr10-47349091-C-A. GRCh37 (hg19) VCF-style: chr10-48390271-G-T.
Other names: short protein forms P203T.
Identifiers: ClinVar variation 1490853 (VCV001490853.6), dbSNP rs781842157, ClinGen allele CA5487745.
Genomic context (GRCh38, chr10:47,349,091, plus strand): 5'-ATCATCTCCTACCTGCACCCAGGGAACACCATCCTGCACGTGGACACTATCTACAACCGC[C>A]CCTCCAACACCACCACGGAGATCTGGACCTTGCCCCAGGTCCTGGGAGAAAGGTACGGTG-3'
Protein context (NP_002891.1, residues 193-213): ILHVDTIYNR[Pro203Thr]SNTTTEIWTL